The following is an entry in ClinVar:

ClinVar aggregate classification (germline): Likely benign. Review status: criteria provided, single submitter (1 of 4 stars). 2 submissions from 2 submitters: Likely benign (1). 1 of the submissions does not count toward it. Last evaluated 2026-03-01.

Conditions:
SHANK3-related disorder. Also called: SHANK3-related condition.

Allele frequency attached by ClinVar (database versions not stated): ESP Exome Variant Server 0.00018; ExAC 0.00026.

Submissions (2):

CeGaT Center for Human Genetics Tuebingen
Classification: Likely benign. Last evaluated: 2026-03-01. Review status: criteria provided, single submitter. Criteria: CeGaT Center For Human Genetics Tuebingen Variant Classification Criteria Version 2. Collection method: clinical testing. Allele origin: germline. Affected: yes. Observed: 1 variant allele.
Comment: SHANK3: BP4, BP7

PreventionGenetics, part of Exact Sciences
Classification: Likely benign for SHANK3-related condition. Last evaluated: 2021-05-19. Review status: no assertion criteria provided. Collection method: clinical testing. Allele origin: germline. Not counted in ClinVar's aggregate classification.
Comment: This variant is classified as likely benign based on ACMG/AMP sequence variant interpretation guidelines (Richards et al. 2015 PMID: 25741868, with internal and published modifications).

NM_001372044.2(SHANK3):c.315G>A (p.Ala105=)

Gene: SHANK3 (SH3 and multiple ankyrin repeat domains 3; plus strand). Cytogenetic location: 22q13.33.
Variant type: single nucleotide variant.
Coding change: c.315G>A on transcript NM_001372044.2 (MANE Select); coding-DNA position 315, G replaced by A.
Protein change: p.Ala105=; no amino-acid change (alanine 105 retained).
Molecular consequence: synonymous variant.
Genome position (GRCh38, 1-based): chr22:50,675,074, G>A. VCF-style: chr22-50675074-G-A. GRCh37 (hg19) VCF-style: chr22-51113502-G-A.
Other names: c.90G>A, p.Ala30= (NM_033517.1).
Identifiers: ClinVar variation 3032525 (VCV003032525.6), dbSNP rs368658976, ClinGen allele CA10325141.